The following is an entry in ClinVar:

ClinVar aggregate classification (germline): Uncertain significance. Review status: criteria provided, multiple submitters, no conflicts (2 of 4 stars). 5 submissions from 5 submitters: Uncertain significance (5). Last evaluated 2024-03-06.

Conditions:
Cardiomyopathy (CMYO). Also called: Cardiomyopathies. Identifiers: Orphanet 167848, MedGen C0878544, MONDO:0004994, HP:0001638. Inheritance: Various modes of inheritance.
Hypertrophic cardiomyopathy 7. Also called: TNNI3-Related Familial Hypertrophic Cardiomyopathy; Familial hypertrophic cardiomyopathy 7; CARDIOMYOPATHY, FAMILIAL HYPERTROPHIC, 7, MODIFIER OF. Identifiers: MedGen C1860752, MONDO:0013369, OMIM 613690.
Hypertrophic cardiomyopathy. Also called: HYPERTROPHIC MYOCARDIOPATHY. Identifiers: Orphanet 217569, MedGen C0007194, MeSH D002312, MONDO:0005045, HP:0001639.

Allele frequency attached by ClinVar (database versions not stated): gnomAD exomes 0.00001.
gnomAD v4.1: 3 of 1,611,982 alleles (0.00019%); highest among the groups gnomAD compares: East Asian, 0.0045%; no homozygotes.

Submissions (5):

Color Diagnostics, LLC DBA Color Health
Classification: Uncertain significance for Cardiomyopathy. Last evaluated: 2024-03-06. Review status: criteria provided, single submitter. Criteria: ACMG Guidelines, 2015. Collection method: clinical testing. Allele origin: germline.
Comment: This missense variant replaces glycine with arginine at codon 73 of the TNNI3 protein. Computational prediction tool is inconclusive regarding the impact of this variant on protein structure and function (internally defined REVEL score threshold 0.5 < inconclusive < 0.7, PMID: 27666373). Splice site prediction tools suggest that this variant may not impact RNA splicing. To our knowledge, functional studies have not been performed for this variant. This variant has not been reported in individuals affected with cardiovascular disorders in the literature. This variant has been identified in 2/239050 chromosomes in the general population by the Genome Aggregation Database (gnomAD). The available evidence is insufficient to determine the role of this variant in disease conclusively. Therefore, this variant is classified as a Variant of Uncertain Significance.

All of Us Research Program, National Institutes of Health
Classification: Uncertain significance for Hypertrophic cardiomyopathy. Last evaluated: 2023-12-01. Review status: criteria provided, single submitter. Criteria: ACMG Guidelines, 2015. Collection method: clinical testing. Allele origin: germline. Inheritance: Autosomal dominant inheritance. Observed: 2 variant alleles, 2 heterozygotes.
Comment: This missense variant replaces glycine with arginine at codon 73 of the TNNI3 protein. Computational prediction tool is inconclusive regarding the impact of this variant on protein structure and function (internally defined REVEL score threshold 0.5 < inconclusive < 0.7, PMID: 27666373). Splice site prediction tools suggest that this variant may not impact RNA splicing. To our knowledge, functional studies have not been performed for this variant. This variant has not been reported in individuals affected with cardiovascular disorders in the literature. This variant has been identified in 2/239050 chromosomes in the general population by the Genome Aggregation Database (gnomAD). The available evidence is insufficient to determine the role of this variant in disease conclusively. Therefore, this variant is classified as a Variant of Uncertain Significance.

This study involves interpretation of variants in research participants for the purpose of population health screening. Participant phenotype was not available at the time of variant classification. Additional details can be found in publication PMID: 35346344, PMCID: PMC8962531

GeneDx
Classification: Uncertain significance. Last evaluated: 2023-11-17. Review status: criteria provided, single submitter. Criteria: GeneDx Variant Classification Process June 2021. Collection method: clinical testing. Allele origin: germline. Affected: yes.
Comment: Has not been previously published as pathogenic or benign to our knowledge; Not observed at significant frequency in large population cohorts (gnomAD); In silico analysis supports that this missense variant does not alter protein structure/function

Labcorp Genetics (formerly Invitae), Labcorp
Classification: Uncertain significance for Hypertrophic cardiomyopathy. Last evaluated: 2022-11-12. Review status: criteria provided, single submitter. Criteria: Invitae Variant Classification Sherloc (09022015). Collection method: clinical testing. Allele origin: germline.
Comment: In summary, the available evidence is currently insufficient to determine the role of this variant in disease. Therefore, it has been classified as a Variant of Uncertain Significance. Algorithms developed to predict the effect of missense changes on protein structure and function are either unavailable or do not agree on the potential impact of this missense change (SIFT: "Deleterious"; PolyPhen-2: "Benign"; Align-GVGD: "Class C0"). ClinVar contains an entry for this variant (Variation ID: 923475). This variant has not been reported in the literature in individuals affected with TNNI3-related conditions. This variant is present in population databases (no rsID available, gnomAD 0.006%). This sequence change replaces glycine, which is neutral and non-polar, with arginine, which is basic and polar, at codon 73 of the TNNI3 protein (p.Gly73Arg).

MGZ Medical Genetics Center
Classification: Uncertain significance for Hypertrophic cardiomyopathy 7. Last evaluated: 2021-11-08. Review status: criteria provided, single submitter. Criteria: ACMG Guidelines, 2015. Collection method: clinical testing. Allele origin: germline. Affected: yes. Observed: 1 variant allele.
Comment: ACMG criteria applied: PM2_SUP

NM_000363.5(TNNI3):c.217G>C (p.Gly73Arg)

Gene: TNNI3 (troponin I3, cardiac type; minus strand). Cytogenetic location: 19q13.42.
Variant type: single nucleotide variant.
Coding change: c.217G>C on transcript NM_000363.5 (MANE Select); coding-DNA position 217, G replaced by C.
Protein change: p.Gly73Arg; replaces glycine 73 with arginine.
Molecular consequence: missense variant.
Genome position (GRCh38, 1-based): chr19:55,156,266, C>G on the plus strand (G>C on the coding strand, the complement: TNNI3 is on the minus strand). VCF-style: chr19-55156266-C-G. GRCh37 (hg19) VCF-style: chr19-55667634-C-G.
Other names: short protein forms G73R.
Identifiers: ClinVar variation 923475 (VCV000923475.17), dbSNP rs1170054667, ClinGen allele CA407441801.
Genomic context (GRCh38, chr19:55,156,266, plus strand): 5'-GCTCCGCGAAGCCCAGCCCGGCCAACTCCAGCGGCTGGCAGCGGGTGCTCAGAGCGCGCC[C>G]CTTCTCTCCGCGCCGCTCCTCCGCCTCTCGCTCCAGCTCTTGCTTTGCAATCTGCAGCAG-3'
Protein context (NP_000354.4, residues 63-83): REAEERRGEK[Gly73Arg]RALSTRCQPL